The following is an entry in ClinVar:

ClinVar aggregate classification (germline): Uncertain significance (1 of 4 stars; one submission).

Conditions:
Adams-Oliver syndrome 5 (AOS5). Identifiers: Orphanet 974, MedGen C4014970, MONDO:0014459, OMIM 616028.

Submission:

Labcorp Genetics (formerly Invitae), Labcorp
Classification: Uncertain significance for Adams-Oliver syndrome 5. Last evaluated: 2025-09-29. Review status: criteria provided, single submitter. Criteria: Invitae Variant Classification Sherloc (09022015). Collection method: clinical testing. Allele origin: germline.
Comment: This sequence change replaces cysteine, which is neutral and slightly polar, with glycine, which is neutral and non-polar, at codon 175 of the NOTCH1 protein (p.Cys175Gly). This variant is not present in population databases (gnomAD no frequency). This variant has not been reported in the literature in individuals affected with NOTCH1-related conditions. ClinVar contains an entry for this variant (Variation ID: 2709461). Invitae Evidence Modeling of protein sequence and biophysical properties (such as structural, functional, and spatial information, amino acid conservation, physicochemical variation, residue mobility, and thermodynamic stability) indicates that this missense variant is expected to disrupt NOTCH1 protein function with a positive predictive value of 95%. In summary, the available evidence is currently insufficient to determine the role of this variant in disease. Therefore, it has been classified as a Variant of Uncertain Significance.

NM_017617.5(NOTCH1):c.523T>G (p.Cys175Gly)

Gene: NOTCH1 (notch receptor 1; minus strand). Cytogenetic location: 9q34.3.
Variant type: single nucleotide variant.
Coding change: c.523T>G on transcript NM_017617.5 (MANE Select); coding-DNA position 523, T replaced by G.
Protein change: p.Cys175Gly; replaces cysteine 175 with glycine.
Molecular consequence: missense variant.
Genome position (GRCh38, 1-based): chr9:136,523,069, A>C on the plus strand (T>G on the coding strand, the complement: NOTCH1 is on the minus strand). VCF-style: chr9-136523069-A-C. GRCh37 (hg19) VCF-style: chr9-139417521-A-C.
Other names: short protein forms C175G.
Identifiers: ClinVar variation 2709461 (VCV002709461.3), dbSNP rs2133377766, ClinGen allele CA375570605.
Genomic context (GRCh38, chr9:136,523,069, plus strand): 5'-AGGTGCCTCCGTGGCGGCAAAGCCCGGGCTTCTGGCCACACTCGTTGACATCCTGCCGGC[A>C]GGTGGGGCCATGGAAGCTGGGTGGGCAGTGGCAGATGTAGGAGGCCTCGAAGGGCAGGCA-3'
Protein context (NP_060087.3, residues 165-185): HCPPSFHGPT[Cys175Gly]RQDVNECGQK